The following is an entry in ClinVar:

NM_001042492.3(NF1):c.289-20T>C

Gene: NF1 (neurofibromin 1; plus strand). Cytogenetic location: 17q11.2.
Variant type: single nucleotide variant.
Coding change: c.289-20T>C on transcript NM_001042492.3 (MANE Select); 20 bases into the intron before coding-DNA position 289, T replaced by C.
Molecular consequence: intron variant.
Genome position (GRCh38, 1-based): chr17:31,163,166, T>C. VCF-style: chr17-31163166-T-C. GRCh37 (hg19) VCF-style: chr17-29490184-T-C.
Other names: c.289-20T>C (NM_000267.4, NM_001128147.3).
Identifiers: ClinVar variation 1646972 (VCV001646972.9), dbSNP rs763991276, ClinGen allele CA8485525.
Genomic context (GRCh38, chr17:31,163,166, plus strand): 5'-GTGTGTTTGAAAATTTTCATAATAGAAAATGTTTACAGGTAAAATTAAAGTTTAGAATAA[T>C]GTGATTATTTCTATTTTAGCAACCAAAGGACACAATGAGATTAGATGAAACGATGCTGGT-3'

ClinVar aggregate classification (germline): Likely benign. Review status: criteria provided, multiple submitters, no conflicts (2 of 4 stars). 2 submissions from 2 submitters: Likely benign (2). Last evaluated 2026-05-11.

Conditions:
Neurofibromatosis, type 1 (NF1). Also called: VON RECKLINGHAUSEN DISEASE; NEUROFIBROMATOSIS, TYPE I, SOMATIC; Neurofibromatosis, type I; Peripheral type neurofibromatosis. Identifiers: Orphanet 636, MedGen C0027831, MONDO:0018975, OMIM 162200. Disease mechanism: loss of function.

Allele frequency attached by ClinVar (database versions not stated): ExAC 0.00001; gnomAD 0.00002 and 0.00001; gnomAD exomes below 0.00001; TOPMed 0.00001.
gnomAD v4.1: 7 of 1,611,770 alleles (0.00043%); highest among the groups gnomAD compares: Non-Finnish European, 0.00051%; no homozygotes.

Submissions (2):

Myriad Genetics, Inc.
Classification: Likely benign for Neurofibromatosis, type 1. Last evaluated: 2026-05-11. Review status: criteria provided, single submitter. Criteria: Myriad Autosomal Dominant, Autosomal Recessive and X-Linked Classification Criteria (2023). Collection method: clinical testing. Allele origin: unknown.
Comment: This variant is considered likely benign. This variant is intronic and is not expected to impact mRNA splicing.

Labcorp Genetics (formerly Invitae), Labcorp
Classification: Likely benign for Neurofibromatosis, type 1. Last evaluated: 2026-01-25. Review status: criteria provided, single submitter. Criteria: Invitae Variant Classification Sherloc (09022015). Collection method: clinical testing. Allele origin: germline.